The following is an entry in ClinVar:

NM_017780.4(CHD7):c.7180C>T (p.Leu2394Phe)

Gene: CHD7 (chromodomain helicase DNA binding protein 7; plus strand). Cytogenetic location: 8q12.2.
Variant type: single nucleotide variant.
Coding change: c.7180C>T on transcript NM_017780.4 (MANE Select); coding-DNA position 7180, C replaced by T.
Protein change: p.Leu2394Phe; replaces leucine 2394 with phenylalanine.
Molecular consequence: missense variant. On other transcripts: intron variant (1).
Genome position (GRCh38, 1-based): chr8:60,856,460, C>T. VCF-style: chr8-60856460-C-T. GRCh37 (hg19) VCF-style: chr8-61769019-C-T.
Other names: c.1717-5769C>T (NM_001316690.1); short protein forms L2394F.
Identifiers: ClinVar variation 1695582 (VCV001695582.5), dbSNP rs1168283468, ClinGen allele CA371299782.
Genomic context (GRCh38, chr8:60,856,460, plus strand): 5'-TGTTTTGGCTCACTGCAACTCTGTTCTGTTGGAATTTTTCAATAGGAAGATGCCCTCAAC[C>T]TCTCTGTCCCTCGCCAGCGGAGGAGGAGGAGGAGAAAAATCGAAATTGAGGCCGAAAGAG-3'
Protein context (NP_060250.2, residues 2384-2404): PQLSKEDALN[Leu2394Phe]SVPRQRRRRR

ClinVar aggregate classification (germline): Uncertain significance. Review status: criteria provided, multiple submitters, no conflicts (2 of 4 stars). 2 submissions from 2 submitters: Uncertain significance (2). Last evaluated 2024-10-21.

Conditions:
CHARGE syndrome (CHARGE). Also called: Coloboma, heart anomaly, choanal atresia, retardation, genital and ear anomalies; CHARGE association; Hall-Hittner syndrome; Hittner Hirsch Kreh syndrome; CHARGE ASSOCIATION--COLOBOMA, HEART ANOMALY, CHOANAL ATRESIA, RETARDATION, GENITAL AND EAR ANOMALIES. Identifiers: Orphanet 138, MedGen C0265354, MONDO:0008965.

Allele frequency attached by ClinVar (database versions not stated): gnomAD exomes below 0.00001.

Submissions (2):

Labcorp Genetics (formerly Invitae), Labcorp
Classification: Uncertain significance for CHARGE syndrome. Last evaluated: 2024-10-21. Review status: criteria provided, single submitter. Criteria: Invitae Variant Classification Sherloc (09022015). Collection method: clinical testing. Allele origin: germline.
Comment: This sequence change replaces leucine, which is neutral and non-polar, with phenylalanine, which is neutral and non-polar, at codon 2394 of the CHD7 protein (p.Leu2394Phe). This variant is not present in population databases (gnomAD no frequency). This variant has not been reported in the literature in individuals affected with CHD7-related conditions. ClinVar contains an entry for this variant (Variation ID: 1695582). Invitae Evidence Modeling of protein sequence and biophysical properties (such as structural, functional, and spatial information, amino acid conservation, physicochemical variation, residue mobility, and thermodynamic stability) indicates that this missense variant is not expected to disrupt CHD7 protein function with a negative predictive value of 95%. In summary, the available evidence is currently insufficient to determine the role of this variant in disease. Therefore, it has been classified as a Variant of Uncertain Significance.

GeneDx
Classification: Uncertain significance. Last evaluated: 2022-01-10. Review status: criteria provided, single submitter. Criteria: GeneDx Variant Classification Process June 2021. Collection method: clinical testing. Allele origin: germline. Affected: yes.
Comment: Not observed at significant frequency in large population cohorts (gnomAD); In silico analysis supports that this missense variant does not alter protein structure/function; Has not been previously published as pathogenic or benign to our knowledge